The following is an entry in ClinVar:

NM_001010892.3(RSPH4A):c.*491T>C

Gene: RSPH4A (radial spoke head component 4A; plus strand). Cytogenetic location: 6q22.1.
Variant type: single nucleotide variant.
Coding change: c.*491T>C on transcript NM_001010892.3 (MANE Select); 491 bases downstream of the stop codon, T replaced by C.
Molecular consequence: 3 prime UTR variant.
Genome position (GRCh38, 1-based): chr6:116,632,932, T>C. VCF-style: chr6-116632932-T-C. GRCh37 (hg19) VCF-style: chr6-116954095-T-C.
Other names: c.*703T>C (NM_001161664.2).
Identifiers: ClinVar variation 905885 (VCV000905885.4), dbSNP rs116191088, ClinGen allele CA145929106.

ClinVar aggregate classification (germline): Likely benign (1 of 4 stars; one submission).

Conditions:
Primary ciliary dyskinesia 11. Also called: CILIARY DYSKINESIA, PRIMARY, 11, WITHOUT SITUS INVERSUS. Identifiers: Orphanet 244, MedGen C2675229, MONDO:0012978, OMIM 612649.

Allele frequency attached by ClinVar (database versions not stated): gnomAD exomes 0.00020; gnomAD 0.00447 and 0.00466; TOPMed 0.00492; 1000 Genomes Project 0.00619; 1000 Genomes Project 30x 0.00718.
gnomAD v4.1: 679 of 172,862 alleles (0.39%); highest among the groups gnomAD compares: African/African-American, 1.5%; 5 homozygotes.

Submission:

Illumina Laboratory Services, Illumina
Classification: Likely benign for Primary ciliary dyskinesia 11. Last evaluated: 2018-01-13. Review status: criteria provided, single submitter. Criteria: ICSL Variant Classification Criteria 13 December 2019. Collection method: clinical testing. Allele origin: germline.
Comment: This variant was observed in the ICSL laboratory as part of a predisposition screen in an ostensibly healthy population. It had not been previously curated by ICSL or reported in the Human Gene Mutation Database (HGMD: prior to June 1st, 2018), and was therefore a candidate for classification through an automated scoring system. Utilizing variant allele frequency, disease prevalence and penetrance estimates, and inheritance mode, an automated score was calculated to assess if this variant is too frequent to cause the disease. Based on the score and internal cut-off values, a variant classified as likely benign is not then subjected to further curation. The score for this variant resulted in a classification of likely benign for this disease.